The following is an entry in ClinVar:

NM_014780.5(CUL7):c.2975G>A (p.Arg992Gln)

Gene: CUL7 (cullin 7; minus strand). Cytogenetic location: 6p21.1.
Variant type: single nucleotide variant.
Coding change: c.2975G>A on transcript NM_014780.5 (MANE Select); coding-DNA position 2975, G replaced by A.
Protein change: p.Arg992Gln; replaces arginine 992 with glutamine.
Molecular consequence: missense variant.
Genome position (GRCh38, 1-based): chr6:43,045,290, C>T on the plus strand (G>A on the coding strand, the complement: CUL7 is on the minus strand). VCF-style: chr6-43045290-C-T. GRCh37 (hg19) VCF-style: chr6-43013028-C-T.
Other names: c.3071G>A, p.Arg1024Gln (NM_001168370.2, NM_001374872.1); c.2975G>A, p.Arg992Gln (NM_001374873.1, NM_001374874.1); short protein forms R1024Q, R992Q.
Identifiers: ClinVar variation 4986771 (VCV004986771.1).

ClinVar aggregate classification (germline): Uncertain significance (1 of 4 stars; one submission).

Conditions:
CUL7-related disorder. Also called: CUL7-related condition.

gnomAD v4.1: 78 of 1,614,086 alleles (0.0048%); highest among the groups gnomAD compares: East Asian, 0.018%; no homozygotes.

Submission:

PreventionGenetics, part of Exact Sciences
Classification: Uncertain significance for CUL7-related condition. Last evaluated: 2026-07-20. Review status: criteria provided, single submitter. Criteria: ACMG Guidelines, 2015. Collection method: clinical testing. Allele origin: germline.
Comment: The CUL7 c.2975G>A variant is predicted to result in the amino acid substitution p.Arg992Gln. To our knowledge, this variant has not been reported in the literature. This variant is reported in 0.016% of alleles in individuals of South Asian descent in gnomAD. At this time, the clinical significance of this variant is uncertain due to the absence of conclusive functional and genetic evidence.